The following is an entry in ClinVar:

ClinVar aggregate classification (germline): Likely benign. Review status: criteria provided, multiple submitters, no conflicts (2 of 4 stars). 2 submissions from 2 submitters: Likely benign (2). Last evaluated 2023-10-01.

Allele frequency attached by ClinVar (database versions not stated): gnomAD 0.00002; ExAC 0.00003; gnomAD exomes 0.00004; TOPMed 0.00005; ESP Exome Variant Server 0.00009.
gnomAD v4.1: 69 of 1,599,080 alleles (0.0043%); highest among the groups gnomAD compares: Admixed American, 0.0067%; no homozygotes.

Submissions (2):

CeGaT Center for Human Genetics Tuebingen
Classification: Likely benign. Last evaluated: 2023-10-01. Review status: criteria provided, single submitter. Criteria: CeGaT Center For Human Genetics Tuebingen Variant Classification Criteria Version 2. Collection method: clinical testing. Allele origin: germline. Affected: yes. Observed: 1 variant allele.
Comment: PKD1: BP4, BP7

PreventionGenetics, part of Exact Sciences
Classification: Likely benign. Review status: criteria provided, single submitter. Criteria: ACMG Guidelines, 2015. Collection method: clinical testing. Allele origin: germline.

NM_001009944.3(PKD1):c.8619C>T (p.Thr2873=)

Gene: PKD1 (polycystin 1, transient receptor potential channel interacting; minus strand). Cytogenetic location: 16p13.3.
Variant type: single nucleotide variant.
Coding change: c.8619C>T on transcript NM_001009944.3 (MANE Select); coding-DNA position 8619, C replaced by T.
Protein change: p.Thr2873=; no amino-acid change (threonine 2873 retained).
Molecular consequence: synonymous variant.
Genome position (GRCh38, 1-based): chr16:2,103,438, G>A on the plus strand (C>T on the coding strand, the complement: PKD1 is on the minus strand). VCF-style: chr16-2103438-G-A. GRCh37 (hg19) VCF-style: chr16-2153439-G-A.
Other names: c.8619C>T, p.Thr2873= (NM_000296.4).
Identifiers: ClinVar variation 257024 (VCV000257024.26), dbSNP rs143419418, ClinGen allele CA7830448.
Genomic context (GRCh38, chr16:2,103,438, plus strand): 5'-GGAGTTGGCGGAGCTGCGGTGGCCCCGGGCAGCCCAGTCCGAGTTGTTGGGCACCTTCAC[G>A]GTGATGGCGCGCTCTGAGGCCAGCCGCTCGATGGGGATCTGGGCGCCGGCCTGTGTCTGG-3'
Protein context (NP_001009944.3, residues 2863-2883): IERLASERAI[Thr2873=]VKVPNNSDWA